The following is an entry in ClinVar:

NM_201596.3(CACNB2):c.634G>C (p.Val212Leu)

Gene: CACNB2 (calcium voltage-gated channel auxiliary subunit beta 2; plus strand). Cytogenetic location: 10p12.31.
Variant type: single nucleotide variant.
Coding change: c.634G>C on transcript NM_201596.3 (MANE Select); coding-DNA position 634, G replaced by C.
Protein change: p.Val212Leu; replaces valine 212 with leucine.
Molecular consequence: missense variant.
Genome position (GRCh38, 1-based): chr10:18,506,511, G>C. VCF-style: chr10-18506511-G-C. GRCh37 (hg19) VCF-style: chr10-18795440-G-C.
Other names: c.469G>C, p.Val157Leu (NM_000724.4, NM_001330060.2); c.550G>C, p.Val184Leu (NM_001167945.2, NM_201571.4, NM_201572.4); c.490G>C, p.Val164Leu (NM_201570.3); c.472G>C, p.Val158Leu (NM_201590.3); c.634G>C, p.Val212Leu (NM_201593.3, NM_201597.3); short protein forms V157L, V158L, V164L, V184L, V212L.
Identifiers: ClinVar variation 1101984 (VCV001101984.13), dbSNP rs149167651, ClinGen allele CA5429679.

ClinVar aggregate classification (germline): Benign/Likely benign. Review status: criteria provided, multiple submitters, no conflicts (2 of 4 stars). 4 submissions from 4 submitters: Benign (1); Likely benign (3). Last evaluated 2026-02-01.

Conditions:
Brugada syndrome 4 (BRGDA4). Identifiers: Orphanet 130, MedGen C2678477, MONDO:0012743, OMIM 611876.
Cardiovascular phenotype. Identifiers: MedGen CN230736.
CACNB2-related disorder. Also called: CACNB2-related condition.

Allele frequency attached by ClinVar (database versions not stated): gnomAD exomes 0.00006; ExAC 0.00010; ESP Exome Variant Server 0.00015; TOPMed 0.00015; gnomAD 0.00019 and 0.00020; 1000 Genomes Project 30x 0.00094; 1000 Genomes Project 0.00100.
gnomAD v4.1: 57 of 1,612,222 alleles (0.0035%); highest among the groups gnomAD compares: African/African-American, 0.073%; no homozygotes.

Submissions (4):

Labcorp Genetics (formerly Invitae), Labcorp
Classification: Likely benign for Brugada syndrome 4. Last evaluated: 2026-02-01. Review status: criteria provided, single submitter. Criteria: Invitae Variant Classification Sherloc (09022015). Collection method: clinical testing. Allele origin: germline.

PreventionGenetics, part of Exact Sciences
Classification: Likely benign for CACNB2-related condition. Last evaluated: 2025-03-25. Review status: criteria provided, single submitter. Criteria: ACMG Guidelines, 2015. Collection method: clinical testing. Allele origin: germline.
Comment: This variant is classified as likely benign based on ACMG/AMP sequence variant interpretation guidelines (Richards et al. 2015 PMID: 25741868, with internal and published modifications).

Ambry Genetics
Classification: Benign for Cardiovascular phenotype. Last evaluated: 2023-12-13. Review status: criteria provided, single submitter. Criteria: Ambry Variant Classification Scheme 2023. Collection method: clinical testing. Allele origin: germline.

Breakthrough Genomics
Classification: Likely benign. Review status: criteria provided, single submitter. Criteria: ACMG Guidelines, 2015. Collection method: not provided. Allele origin: germline. Inheritance: Autosomal dominant inheritance. Affected: yes.